The following is an entry in ClinVar:

NM_001170629.2(CHD8):c.7603C>T (p.Gln2535Ter)

Gene: CHD8 (chromodomain helicase DNA binding protein 8; minus strand). Cytogenetic location: 14q11.2.
Variant type: single nucleotide variant.
Coding change: c.7603C>T on transcript NM_001170629.2 (MANE Select); coding-DNA position 7603, C replaced by T.
Protein change: p.Gln2535Ter; replaces glutamine 2535 with a stop codon.
Molecular consequence: nonsense.
Genome position (GRCh38, 1-based): chr14:21,385,756, G>A on the plus strand (C>T on the coding strand, the complement: CHD8 is on the minus strand). VCF-style: chr14-21385756-G-A. GRCh37 (hg19) VCF-style: chr14-21853915-G-A.
Other names: c.6766C>T, p.Gln2256Ter (NM_020920.4); short protein forms Q2256*, Q2535*.
Identifiers: ClinVar variation 3900213 (VCV003900213.1).

ClinVar aggregate classification (germline): Uncertain significance (1 of 4 stars; one submission).

Submission:

GeneDx
Classification: Uncertain significance. Last evaluated: 2024-11-21. Review status: criteria provided, single submitter. Criteria: GeneDx Variant Classification Process June 2021. Collection method: clinical testing. Allele origin: germline. Affected: yes.
Comment: Not observed at significant frequency in large population cohorts (gnomAD); Nonsense variant predicted to result in protein truncation as the last 47 amino acid(s) are lost; Has not been previously published as pathogenic or benign to our knowledge